The following is an entry in ClinVar:

ClinVar aggregate classification (germline): Likely benign (1 of 4 stars; one submission).

Submission:

CeGaT Center for Human Genetics Tuebingen
Classification: Likely benign. Last evaluated: 2023-03-01. Review status: criteria provided, single submitter. Criteria: CeGaT Center For Human Genetics Tuebingen Variant Classification Criteria Version 2. Collection method: clinical testing. Allele origin: germline. Affected: yes. Observed: 1 variant allele.
Comment: ERBB4: PM2:Supporting, BP4, BP7

NM_005235.3(ERBB4):c.1482A>G (p.Glu494=)

Gene: ERBB4 (erb-b2 receptor tyrosine kinase 4; minus strand). Cytogenetic location: 2q34.
Variant type: single nucleotide variant.
Coding change: c.1482A>G on transcript NM_005235.3 (MANE Select); coding-DNA position 1482, A replaced by G.
Protein change: p.Glu494=; no amino-acid change (glutamic acid 494 retained).
Molecular consequence: synonymous variant.
Genome position (GRCh38, 1-based): chr2:211,701,974, T>C on the plus strand (A>G on the coding strand, the complement: ERBB4 is on the minus strand). VCF-style: chr2-211701974-T-C. GRCh37 (hg19) VCF-style: chr2-212566699-T-C.
Other names: c.1482A>G, p.Glu494= (NM_001042599.2).
Identifiers: ClinVar variation 2651862 (VCV002651862.24), dbSNP rs2469931470, ClinGen allele CA431130458.